The following is an entry in ClinVar:

ClinVar aggregate classification (germline): Uncertain significance (1 of 4 stars; one submission).

Conditions:
Nephronophthisis 15 (NPHP15). Identifiers: Orphanet 3156, MedGen C3541853, MONDO:0013917, OMIM 614845.

Submission:

Labcorp Genetics (formerly Invitae), Labcorp
Classification: Uncertain significance for Nephronophthisis 15. Last evaluated: 2022-05-03. Review status: criteria provided, single submitter. Criteria: Invitae Variant Classification Sherloc (09022015). Collection method: clinical testing. Allele origin: germline.
Comment: Algorithms developed to predict the effect of missense changes on protein structure and function (SIFT, PolyPhen-2, Align-GVGD) all suggest that this variant is likely to be disruptive. This variant has not been reported in the literature in individuals affected with CEP164-related conditions. This variant is not present in population databases (gnomAD no frequency). This sequence change replaces serine, which is neutral and polar, with phenylalanine, which is neutral and non-polar, at codon 201 of the CEP164 protein (p.Ser201Phe). In summary, the available evidence is currently insufficient to determine the role of this variant in disease. Therefore, it has been classified as a Variant of Uncertain Significance.

NM_014956.5(CEP164):c.602C>T (p.Ser201Phe)

Gene: CEP164 (centrosomal protein 164; plus strand). Cytogenetic location: 11q23.3.
Variant type: single nucleotide variant.
Coding change: c.602C>T on transcript NM_014956.5 (MANE Select); coding-DNA position 602, C replaced by T.
Protein change: p.Ser201Phe; replaces serine 201 with phenylalanine.
Molecular consequence: missense variant.
Genome position (GRCh38, 1-based): chr11:117,362,453, C>T. VCF-style: chr11-117362453-C-T. GRCh37 (hg19) VCF-style: chr11-117233169-C-T.
Other names: c.602C>T, p.Ser201Phe (NM_001271933.2); short protein forms S201F.
Identifiers: ClinVar variation 2132899 (VCV002132899.4), dbSNP rs2540955271, ClinGen allele CA382731925.